The following is an entry in ClinVar:

ClinVar aggregate classification (germline): Likely benign (1 of 4 stars; one submission).

gnomAD v4.1: 71 of 1,595,378 alleles (0.0045%); highest among the groups gnomAD compares: African/African-American, 0.022%; 1 homozygote.

Submission:

CeGaT Center for Human Genetics Tuebingen
Classification: Likely benign. Last evaluated: 2023-02-01. Review status: criteria provided, single submitter. Criteria: CeGaT Center For Human Genetics Tuebingen Variant Classification Criteria Version 2. Collection method: clinical testing. Allele origin: germline. Affected: yes. Observed: 1 variant allele.
Comment: PM20D1: BP4, BP7

NM_152491.5(PM20D1):c.237C>T (p.Phe79=)

Gene: PM20D1 (peptidase M20 domain containing 1; minus strand). Cytogenetic location: 1q32.1.
Variant type: single nucleotide variant.
Coding change: c.237C>T on transcript NM_152491.5 (MANE Select); coding-DNA position 237, C replaced by T.
Protein change: p.Phe79=; no amino-acid change (phenylalanine 79 retained).
Molecular consequence: synonymous variant. On other transcripts: non-coding transcript variant (1).
Genome position (GRCh38, 1-based): chr1:205,847,904, G>A on the plus strand (C>T on the coding strand, the complement: PM20D1 is on the minus strand). VCF-style: chr1-205847904-G-A. GRCh37 (hg19) VCF-style: chr1-205817032-G-A.
Identifiers: ClinVar variation 2639856 (VCV002639856.24), dbSNP rs779931686, ClinGen allele CA1357975.
Genomic context (GRCh38, chr1:205,847,904, plus strand): 5'-TATTTCTACCACCCACCCCTTGCCCCTGATTTGCAGCTGACCTTTATGAATGTATTTTCC[G>A]AACTCAGCCAGGGCTGTAGTATTGGACTTCTCAGAGCTAAAAGTCACTGTTGGAATCTGG-3'
Protein context (NP_689704.4, residues 69-89): EKSNTTALAE[Phe79=]GKYIHKVFPT